The following is an entry in ClinVar:

NM_198506.5(LRIT3):c.30C>A (p.Val10=)

Gene: LRIT3 (leucine rich repeat, Ig-like and transmembrane domains 3; plus strand). Cytogenetic location: 4q25.
Variant type: single nucleotide variant.
Coding change: c.30C>A on transcript NM_198506.5 (MANE Select); coding-DNA position 30, C replaced by A.
Protein change: p.Val10=; no amino-acid change (valine 10 retained).
Molecular consequence: synonymous variant.
Genome position (GRCh38, 1-based): chr4:109,848,231, C>A. VCF-style: chr4-109848231-C-A. GRCh37 (hg19) VCF-style: chr4-110769387-C-A.
Identifiers: ClinVar variation 347180 (VCV000347180.15), dbSNP rs373793629, ClinGen allele CA3042960.

ClinVar aggregate classification (germline): Conflicting classifications of pathogenicity. Review status: criteria provided, conflicting classifications (1 of 4 stars). 4 submissions from 4 submitters: Uncertain significance (1); Benign (1); Likely benign (1). 1 of the submissions does not count toward it. Last evaluated 2026-01-09.

Conditions:
Congenital stationary night blindness 1F. Also called: Night blindness, congenital stationary (complete), 1F, autosomal recessive. Identifiers: Orphanet 215, MedGen C3554399, MONDO:0014026, OMIM 615058.
LRIT3-related disorder. Also called: LRIT3-related condition.

Allele frequency attached by ClinVar (database versions not stated): gnomAD exomes 0.00001 and 0.00016; gnomAD 0.00017 and 0.00021; TOPMed 0.00019; ExAC 0.00064.
gnomAD v4.1: 105 of 1,231,880 alleles (0.0085%); highest among the groups gnomAD compares: East Asian, 0.06%; no homozygotes.

Submissions (4):

Labcorp Genetics (formerly Invitae), Labcorp
Classification: Benign. Last evaluated: 2026-01-09. Review status: criteria provided, single submitter. Criteria: Invitae Variant Classification Sherloc (09022015). Collection method: clinical testing. Allele origin: germline.

Blueprint Genetics
Classification: Likely benign. Last evaluated: 2024-11-25. Review status: criteria provided, single submitter. Criteria: ACMG Guidelines, 2015. Collection method: clinical testing. Allele origin: germline.

Illumina Laboratory Services, Illumina
Classification: Uncertain significance for Congenital stationary night blindness 1F. Last evaluated: 2018-01-13. Review status: criteria provided, single submitter. Criteria: ICSL Variant Classification Criteria 13 December 2019. Collection method: clinical testing. Allele origin: germline.

PreventionGenetics, part of Exact Sciences
Classification: Likely benign for LRIT3-related condition. Last evaluated: 2019-10-28. Review status: no assertion criteria provided. Collection method: clinical testing. Allele origin: germline. Not counted in ClinVar's aggregate classification.
Comment: This variant is classified as likely benign based on ACMG/AMP sequence variant interpretation guidelines (Richards et al. 2015 PMID: 25741868, with internal and published modifications).